The following is an entry in ClinVar:

ClinVar aggregate classification (germline): Likely pathogenic (1 of 4 stars; one submission).

Conditions:
Hereditary cancer-predisposing syndrome. Also called: Tumor predisposition; Neoplastic Syndromes, Hereditary; Hereditary Cancer Syndrome; Hereditary neoplastic syndrome. Identifiers: Orphanet 140162, MedGen C0027672, MeSH D009386, MONDO:0015356.

Submission:

Ambry Genetics
Classification: Likely pathogenic for Hereditary cancer-predisposing syndrome. Last evaluated: 2024-12-19. Review status: criteria provided, single submitter. Criteria: Ambry Variant Classification Scheme 2023. Collection method: clinical testing. Allele origin: germline.
Comment: The c.3218_3224delCAACTTA variant, located in coding exon 15 of the APC gene, results from a deletion of 7 nucleotides at nucleotide positions 3218 to 3224, causing a translational frameshift with a predicted alternate stop codon (p.T1073Ifs*51). This alteration occurs at the 3' terminus of theAPC gene, is not expected to trigger nonsense-mediated mRNA decay, and impacts the last 62% of the protein. However, premature stop codons are typically deleterious in nature and a significant portion of the protein is affected (Ambry internal data). This variant is considered to be rare based on population cohorts in the Genome Aggregation Database (gnomAD). Based on the majority of available evidence to date, this variant is likely to be pathogenic.

NM_000038.6(APC):c.3218_3224del (p.Thr1073fs)

Gene: APC (APC regulator of Wnt signaling pathway; plus strand). Cytogenetic location: 5q22.2.
Variant type: Deletion.
Coding change: c.3218_3224del on transcript NM_000038.6 (MANE Select); coding-DNA positions 3218 to 3224, 7 bases deleted (CAACTTA; older notation c.3218_3224delCAACTTA).
Protein change: p.Thr1073fs; shifts the reading frame from threonine 1073.
Molecular consequence: frameshift variant. On other transcripts: non-coding transcript variant (2).
Genome position (GRCh38, 1-based): chr5:112,838,812-112,838,818, CAACTTA deleted; deleting any 7 consecutive bases within chr5:112,838,810-112,838,818 gives the same sequence; the c. name uses the placement nearest the transcript's 3' end. VCF-style (leftmost placement, unchanged base first): chr5-112838809-GTACAACT-G. GRCh37 (hg19) VCF-style: chr5-112174506-GTACAACT-G.
Other names: c.3218_3224del, p.Thr1073fs (NM_001127510.3, NM_001354895.2, NM_001407450.1); c.3164_3170del, p.Thr1055fs (NM_001127511.3); c.3272_3278del, p.Thr1091fs (NM_001354896.2, NM_001407447.1, NM_001407448.1 and 1 more transcripts); c.3248_3254del, p.Thr1083fs (NM_001354897.2); c.3143_3149del, p.Thr1048fs (NM_001354898.2); c.3134_3140del, p.Thr1045fs (NM_001354899.2); c.3095_3101del, p.Thr1032fs (NM_001354900.2); c.3041_3047del, p.Thr1014fs (NM_001354901.2, NM_001407453.1); and 11 more; short protein forms T1014fs, T1032fs, T1055fs, T1073fs, T1083fs, T1091fs, T913fs, T982fs.
Identifiers: ClinVar variation 3881062 (VCV003881062.1).